The following is an entry in ClinVar:

NM_014009.4(FOXP3):c.542+5G>A

Gene: FOXP3 (forkhead box P3; minus strand). Cytogenetic location: Xp11.23.
Variant type: single nucleotide variant.
Coding change: c.542+5G>A on transcript NM_014009.4 (MANE Select); 5 bases into the intron after coding-DNA position 542, G replaced by A.
Molecular consequence: intron variant.
Genome position (GRCh38, 1-based): chrX:49,256,920, C>T on the plus strand (G>A on the coding strand, the complement: FOXP3 is on the minus strand). VCF-style: chrX-49256920-C-T. GRCh37 (hg19) VCF-style: chrX-49113377-C-T.
Other names: c.437+5G>A (NM_001114377.2).
Identifiers: ClinVar variation 4854019 (VCV004854019.1).

ClinVar aggregate classification (germline): Uncertain significance (1 of 4 stars; one submission).

Conditions:
Insulin-dependent diabetes mellitus secretory diarrhea syndrome (IPEX). Also called: Immunodysregulation, polyendocrinopathy, and enteropathy, X-linked; Immune dysregulation-polyendocrinopathy-enteropathy-X-linked syndrome; DIABETES MELLITUS, CONGENITAL INSULIN-DEPENDENT, WITH FATAL SECRETORY DIARRHEA; DIARRHEA, POLYENDOCRINOPATHY, FATAL INFECTION SYNDROME, X-LINKED; ENTEROPATHY, AUTOIMMUNE, WITH HEMOLYTIC ANEMIA AND POLYENDOCRINOPATHY; IMMUNODEFICIENCY, POLYENDOCRINOPATHY, AND ENTEROPATHY, X-LINKED. Identifiers: Orphanet 37042, MedGen C0342288, MONDO:0010580, OMIM 304790. Disease mechanism: loss of function.

Submission:

3billion
Classification: Uncertain significance for Insulin-dependent diabetes mellitus secretory diarrhea syndrome. Last evaluated: 2026-01-26. Review status: criteria provided, single submitter. Criteria: ACMG Guidelines, 2015. Collection method: clinical testing. Allele origin: germline. Affected: yes.
Comment: The variant is not observed in the gnomAD v4.1.0 dataset. Predicted Consequence/Location: Intron variant In silico tools predict the variant to alter splicing and produce an abnormal transcript [SpliceAI: 0.74 (>=0.2, moderate evidence for spliceogenicity)]. Therefore, this variant is classified as VUS according to the recommendation of ACMG/AMP guideline.